The following is an entry in ClinVar:

ClinVar aggregate classification (germline): Likely benign. Review status: criteria provided, multiple submitters, no conflicts (2 of 4 stars). 3 submissions from 3 submitters: Likely benign (3). Last evaluated 2025-05-05.

Allele frequency attached by ClinVar (database versions not stated): gnomAD below 0.00001 and 0.00003; TOPMed below 0.00001; gnomAD exomes 0.00005 and 0.00007; ExAC 0.00010.
gnomAD v4.1: 77 of 1,606,582 alleles (0.0048%); highest among the groups gnomAD compares: South Asian, 0.083%; no homozygotes.

Submissions (3):

Labcorp Genetics (formerly Invitae), Labcorp
Classification: Likely benign. Last evaluated: 2025-05-05. Review status: criteria provided, single submitter. Criteria: Invitae Variant Classification Sherloc (09022015). Collection method: clinical testing. Allele origin: germline.

CeGaT Center for Human Genetics Tuebingen
Classification: Likely benign. Last evaluated: 2023-05-01. Review status: criteria provided, single submitter. Criteria: CeGaT Center For Human Genetics Tuebingen Variant Classification Criteria Version 2. Collection method: clinical testing. Allele origin: germline. Affected: yes. Observed: 1 variant allele.
Comment: NDUFA9: BP4, BP7

GeneDx
Classification: Likely benign. Last evaluated: 2017-02-01. Review status: criteria provided, single submitter. Criteria: GeneDx Variant Classification (06012015). Collection method: clinical testing. Allele origin: germline. Affected: yes.
Comment: This variant is considered likely benign or benign based on one or more of the following criteria: it is a conservative change, it occurs at a poorly conserved position in the protein, it is predicted to be benign by multiple in silico algorithms, and/or has population frequency not consistent with disease.

NM_005002.5(NDUFA9):c.735A>G (p.Val245=)

Gene: NDUFA9 (NADH:ubiquinone oxidoreductase subunit A9; plus strand). Cytogenetic location: 12p13.32.
Variant type: single nucleotide variant.
Coding change: c.735A>G on transcript NM_005002.5 (MANE Select); coding-DNA position 735, A replaced by G.
Protein change: p.Val245=; no amino-acid change (valine 245 retained).
Molecular consequence: synonymous variant.
Genome position (GRCh38, 1-based): chr12:4,669,752, A>G. VCF-style: chr12-4669752-A-G. GRCh37 (hg19) VCF-style: chr12-4778918-A-G.
Identifiers: ClinVar variation 506870 (VCV000506870.31), dbSNP rs767410946, ClinGen allele CA6398222.
Genomic context (GRCh38, chr12:4,669,752, plus strand): 5'-CTGTCTCTTTTTCAACAATTACTTAGACATATATTATAATTTCTTACAGGTCGTAGATGT[A>G]TCCAAAGGAATTGTTAATGCAGTTAAGGATCCTGATGCCAATGGGAAATCCTTTGCTTTC-3'
Protein context (NP_004993.1, residues 235-255): TVKQPVYVVD[Val245=]SKGIVNAVKD